The following is an entry in ClinVar:

ClinVar aggregate classification (germline): Uncertain significance (1 of 4 stars; one submission).

Conditions:
Cardiovascular phenotype. Identifiers: MedGen CN230736.

Submission:

Ambry Genetics
Classification: Uncertain significance for Cardiovascular phenotype. Last evaluated: 2026-08-10. Review status: criteria provided, single submitter. Criteria: Ambry Variant Classification Scheme 2023. Collection method: clinical testing. Allele origin: germline.
Comment: The p.A182S variant (also known as c.544G>T), located in coding exon 5 of the MYH7 gene, results from a G to T substitution at nucleotide position 544. The alanine at codon 182 is replaced by serine, an amino acid with similar properties. This amino acid position is conserved. In addition, this alteration is predicted to be deleterious by in silico analysis. Based on the available evidence, the clinical significance of this variant remains unclear.

NM_000257.4(MYH7):c.544G>T (p.Ala182Ser)

Gene: MYH7 (myosin heavy chain 7; minus strand). Cytogenetic location: 14q11.2.
Variant type: single nucleotide variant.
Coding change: c.544G>T on transcript NM_000257.4 (MANE Select); coding-DNA position 544, G replaced by T.
Protein change: p.Ala182Ser; replaces alanine 182 with serine.
Molecular consequence: missense variant.
Genome position (GRCh38, 1-based): chr14:23,431,856, C>A on the plus strand (G>T on the coding strand, the complement: MYH7 is on the minus strand). VCF-style: chr14-23431856-C-A. GRCh37 (hg19) VCF-style: chr14-23901065-C-A.
Other names: c.544G>T, p.Ala182Ser (NM_001407004.1); short protein forms A182S.
Identifiers: ClinVar variation 5025175 (VCV005025175.1).